The following is an entry in ClinVar:

NM_020999.4(NEUROG3):c.181C>T (p.Leu61Phe)

Gene: NEUROG3 (neurogenin 3; minus strand). Cytogenetic location: 10q22.1.
Variant type: single nucleotide variant.
Coding change: c.181C>T on transcript NM_020999.4 (MANE Select); coding-DNA position 181, C replaced by T.
Protein change: p.Leu61Phe; replaces leucine 61 with phenylalanine.
Molecular consequence: missense variant.
Genome position (GRCh38, 1-based): chr10:69,572,863, G>A on the plus strand (C>T on the coding strand, the complement: NEUROG3 is on the minus strand). VCF-style: chr10-69572863-G-A. GRCh37 (hg19) VCF-style: chr10-71332619-G-A.
Other names: short protein forms L61F.
Identifiers: ClinVar variation 1003448 (VCV001003448.4), dbSNP rs149042847, ClinGen allele CA5533758.
Genomic context (GRCh38, chr10:69,572,863, plus strand): 5'-GCTGCTTGCTCAGTGCCAACTCGCTCTTAGGCCGGCTGCGTCCCCCGCGCCGTGCCCGGA[G>A]CTTCCTCGGGGCCCCTCGGCAGCCTCCCTCTTCCGCCTCTGCGCAGTTCCCCCGTGTGCG-3'
Protein context (NP_066279.2, residues 51-71): EGGCRGAPRK[Leu61Phe]RARRGGRSRP

ClinVar aggregate classification (germline): Uncertain significance (1 of 4 stars; one submission).

Allele frequency attached by ClinVar (database versions not stated): TOPMed 0.00011; gnomAD exomes 0.00012 and 0.00029; gnomAD 0.00014 and 0.00015; ExAC 0.00015; ESP Exome Variant Server 0.00038.
gnomAD v4.1: 432 of 1,609,772 alleles (0.027%); highest among the groups gnomAD compares: Non-Finnish European, 0.035%; no homozygotes.

Submission:

Labcorp Genetics (formerly Invitae), Labcorp
Classification: Uncertain significance. Last evaluated: 2022-08-15. Review status: criteria provided, single submitter. Criteria: Invitae Variant Classification Sherloc (09022015). Collection method: clinical testing. Allele origin: germline.
Comment: This sequence change replaces leucine, which is neutral and non-polar, with phenylalanine, which is neutral and non-polar, at codon 61 of the NEUROG3 protein (p.Leu61Phe). This variant is present in population databases (rs149042847, gnomAD 0.03%). This variant has not been reported in the literature in individuals affected with NEUROG3-related conditions. ClinVar contains an entry for this variant (Variation ID: 1003448). Algorithms developed to predict the effect of missense changes on protein structure and function output the following: SIFT: "Tolerated"; PolyPhen-2: "Benign"; Align-GVGD: "Class C0". The phenylalanine amino acid residue is found in multiple mammalian species, which suggests that this missense change does not adversely affect protein function. In summary, the available evidence is currently insufficient to determine the role of this variant in disease. Therefore, it has been classified as a Variant of Uncertain Significance.